The following is an entry in ClinVar:

NM_198253.3(TERT):c.1301C>T (p.Ser434Phe)

Gene: TERT (telomerase reverse transcriptase; minus strand). Cytogenetic location: 5p15.33.
Variant type: single nucleotide variant.
Coding change: c.1301C>T on transcript NM_198253.3 (MANE Select); coding-DNA position 1301, C replaced by T.
Protein change: p.Ser434Phe; replaces serine 434 with phenylalanine.
Molecular consequence: missense variant. On other transcripts: non-coding transcript variant (2).
Genome position (GRCh38, 1-based): chr5:1,293,585, G>A on the plus strand (C>T on the coding strand, the complement: TERT is on the minus strand). VCF-style: chr5-1293585-G-A. GRCh37 (hg19) VCF-style: chr5-1293700-G-A.
Other names: c.1301C>T, p.Ser434Phe (NM_001193376.3); short protein forms S434F.
Identifiers: ClinVar variation 964570 (VCV000964570.9), dbSNP rs1751138304, ClinGen allele CA359086315.

ClinVar aggregate classification (germline): Uncertain significance. Review status: criteria provided, multiple submitters, no conflicts (2 of 4 stars). 2 submissions from 2 submitters: Uncertain significance (2). Last evaluated 2022-10-02.

Conditions:
Idiopathic Pulmonary Fibrosis. Also called: Idiopathic fibrosing alveolitis, chronic form; idiopathic fibrosing alveolitis. Identifiers: Orphanet 2032, MedGen C1800706, MeSH D054990, MONDO:0800504.
Dyskeratosis congenita, autosomal dominant 2. Identifiers: MedGen C3151443, MONDO:0013521, OMIM 613989.
Dyskeratosis congenita. Identifiers: Orphanet 1775, MedGen C0265965, MONDO:0015780.

Allele frequency attached by ClinVar (database versions not stated): gnomAD 0.00001; TOPMed 0.00001.
gnomAD v4.1: 1 of 1,545,824 alleles (0.000065%); highest among the groups gnomAD compares: African/African-American, 0.0014%; no homozygotes.

Submissions (2):

Ambry Genetics
Classification: Uncertain significance for Dyskeratosis congenita. Last evaluated: 2022-10-02. Review status: criteria provided, single submitter. Criteria: Ambry Variant Classification Scheme 2023. Collection method: clinical testing. Allele origin: germline.
Comment: The p.S434F variant (also known as c.1301C>T), located in coding exon 2 of the TERT gene, results from a C to T substitution at nucleotide position 1301. The serine at codon 434 is replaced by phenylalanine, an amino acid with highly dissimilar properties. This amino acid position is conserved. In addition, this alteration is predicted to be tolerated by in silico analysis. Since supporting evidence is limited at this time, the clinical significance of this alteration remains unclear.

Labcorp Genetics (formerly Invitae), Labcorp
Classification: Uncertain significance for Dyskeratosis congenita, autosomal dominant 2; Idiopathic Pulmonary Fibrosis. Last evaluated: 2021-09-01. Review status: criteria provided, single submitter. Criteria: Invitae Variant Classification Sherloc (09022015). Collection method: clinical testing. Allele origin: germline.
Comment: This sequence change replaces serine with phenylalanine at codon 434 of the TERT protein (p.Ser434Phe). The serine residue is weakly conserved and there is a large physicochemical difference between serine and phenylalanine. The frequency data for this variant in the population databases is considered unreliable, as metrics indicate insufficient coverage at this position in the ExAC database. This variant has not been reported in the literature in individuals affected with TERT-related conditions. Algorithms developed to predict the effect of missense changes on protein structure and function (SIFT, PolyPhen-2, Align-GVGD) all suggest that this variant is likely to be tolerated. In summary, the available evidence is currently insufficient to determine the role of this variant in disease. Therefore, it has been classified as a Variant of Uncertain Significance.